The following is an entry in ClinVar:

ClinVar aggregate classification (germline): Likely benign (1 of 4 stars; one submission).

Submission:

GeneDx
Classification: Likely benign. Last evaluated: 2016-10-03. Review status: criteria provided, single submitter. Criteria: GeneDx Variant Classification (06012015). Collection method: clinical testing. Allele origin: germline. Affected: yes.
Comment: This variant is considered likely benign or benign based on one or more of the following criteria: it is a conservative change, it occurs at a poorly conserved position in the protein, it is predicted to be benign by multiple in silico algorithms, and/or has population frequency not consistent with disease.

NM_001077365.2(POMT1):c.-31+228dup

Gene: POMT1 (protein O-mannosyltransferase 1; plus strand). Cytogenetic location: 9q34.13.
Variant type: Duplication.
Coding change: c.-31+228dup on transcript NM_001077365.2 (MANE Select); 228 bases into the intron after 31 bases upstream of the start codon, one base duplicated (G; older notation c.-31+228dupG).
Molecular consequence: intron variant. On other transcripts: 5 prime UTR variant (5), non-coding transcript variant (2).
Genome position (GRCh38, 1-based): chr9:131,503,301, G duplicated; the last of 3 consecutive G bases (chr9:131,503,299-131,503,301); duplicating any one gives the same sequence. VCF-style (leftmost placement, unchanged base first): chr9-131503298-C-CG. GRCh37 (hg19) VCF-style: chr9-134378685-C-CG.
Other names: c.-31+228dupG (NM_007171.3); c.-43dup (NM_001136113.2, NM_001353193.2); c.-53dup (NM_001353194.2); c.-514dup (NM_001353198.2); c.-84dup (NM_001374691.1); c.-31+228dup (NM_007171.4, NM_001374690.1, NM_001353196.2); c.-275+228dup (NM_001353195.2); c.-224+228dup (NM_001374692.1); and 4 more.
Identifiers: ClinVar variation 420324 (VCV000420324.1), dbSNP rs527286034, ClinGen allele CA16618763.